The following is an entry in ClinVar:

ClinVar aggregate classification (germline): Uncertain significance. Review status: criteria provided, single submitter (1 of 4 stars). 2 submissions from 1 submitter: Uncertain significance (2). Last evaluated 2018-08-22.

Conditions:
Ehlers-Danlos syndrome, classic type, 1 (EDSCL1). Also called: Ehlers-Danlos Syndrome, Classic Type, COL5A1-Related; EDS I; Ehlers-Danlos syndrome, type 1; EHLERS-DANLOS SYNDROME, GRAVIS TYPE; EHLERS-DANLOS SYNDROME, SEVERE CLASSIC TYPE. Identifiers: MedGen C0268335, MONDO:0019567, OMIM 130000.
Fibromuscular dysplasia, multifocal. Identifiers: MedGen C5543412, MONDO:0859151, OMIM 619329.
Ehlers-Danlos syndrome, classic type (cEDS). Identifiers: Orphanet 287, MedGen C4225429, MONDO:0007522.

Submissions (2):

Center for Genomics, Ann and Robert H. Lurie Children's Hospital of Chicago
Classification: Uncertain significance for Ehlers-Danlos syndrome, classic type, 1. Last evaluated: 2018-08-22. Review status: criteria provided, single submitter. Criteria: ACMG Guidelines, 2015. Collection method: clinical testing. Allele origin: germline.
Comment: COL5A1 NM_000093.4 exon 20 p.Glu677Val (c.2030A>T): This variant has not been reported in the literature and is not present in large control databases. Evolutionary conservation and computational predictive tools suggest that this variant may impact the protein. In summary, data on this variant is insufficient for disease classification. Therefore, the clinical significance of this variant is uncertain.

Center for Genomics, Ann and Robert H. Lurie Children's Hospital of Chicago
Classification: Uncertain significance for Ehlers-Danlos syndrome, classic type, 1; Fibromuscular dysplasia, multifocal. Review status: criteria provided, single submitter. Criteria: ACMG Guidelines, 2015. Collection method: clinical testing. Allele origin: germline.
Comment: the same text as in the submission from Center for Genomics, Ann and Robert H. Lurie Children's Hospital of Chicago above.

NM_000093.5(COL5A1):c.2030A>T (p.Glu677Val)

Gene: COL5A1 (collagen type V alpha 1 chain; plus strand). Cytogenetic location: 9q34.3.
Variant type: single nucleotide variant.
Coding change: c.2030A>T on transcript NM_000093.5 (MANE Select); coding-DNA position 2030, A replaced by T.
Protein change: p.Glu677Val; replaces glutamic acid 677 with valine.
Molecular consequence: missense variant.
Genome position (GRCh38, 1-based): chr9:134,763,733, A>T. VCF-style: chr9-134763733-A-T. GRCh37 (hg19) VCF-style: chr9-137655579-A-T.
Other names: c.2030A>T, p.Glu677Val (NM_001278074.1); short protein forms E677V.
Identifiers: ClinVar variation 625924 (VCV000625924.5), dbSNP rs1564443811, ClinGen allele CA375446496.